The following is an entry in ClinVar:

ClinVar aggregate classification (germline): Pathogenic/Likely pathogenic. Review status: criteria provided, multiple submitters, no conflicts (2 of 4 stars). 2 submissions from 2 submitters: Pathogenic (1); Likely pathogenic (1). Last evaluated 2019-06-05.

Conditions:
Wolfram syndrome 1 (WFS1). Identifiers: Orphanet 3463, MedGen C4551693, MONDO:0009101, OMIM 222300.

Submissions (2):

Institute of Human Genetics Munich, TUM University Hospital
Classification: Pathogenic for Wolfram syndrome 1. Last evaluated: 2019-06-05. Review status: criteria provided, single submitter. Criteria: Classification criteria August 2017. Collection method: clinical testing. Allele origin: germline. Inheritance: Autosomal recessive inheritance. Affected: yes. Observed: 1 compound heterozygote.

Clinical Genomics, Uppaluri K&H Personalized Medicine Clinic
Classification: Likely pathogenic for Wolfram syndrome 1. Review status: criteria provided, single submitter. Criteria: K & H Uppaluri Personalized Medicine Clinic Variant Classification & Assertion Criteria_Updated V.1. Collection method: research. Allele origin: unknown. Inheritance: Autosomal recessive inheritance.
Comment: Potent mutations in WFS1 gene are associated with Wolfram's syndrome, an autosomal recessive condition, which cause diabetes mellitus, diabetes insipidus, deafness and optic atrophy. However no sufficient evidence is found to ascertain the role of this particular variant rs1578612324 in Wolfram's syndrome yet.

Literature cited by the submitters: PubMed 20738327 (cited by Clinical Genomics, Uppaluri K&H Personalized Medicine Clinic); PubMed 33879153 (cited by Clinical Genomics, Uppaluri K&H Personalized Medicine Clinic); PubMed 12955714 (cited by Clinical Genomics, Uppaluri K&H Personalized Medicine Clinic); PubMed 18060660 (cited by Clinical Genomics, Uppaluri K&H Personalized Medicine Clinic); PubMed 20301750 (cited by Clinical Genomics, Uppaluri K&H Personalized Medicine Clinic); PubMed 17603484 (cited by Clinical Genomics, Uppaluri K&H Personalized Medicine Clinic).

NM_006005.3(WFS1):c.2224dup (p.Cys742fs)

Gene: WFS1 (wolframin ER transmembrane glycoprotein; plus strand). Cytogenetic location: 4p16.1.
Variant type: Duplication.
Coding change: c.2224dup on transcript NM_006005.3 (MANE Select); coding-DNA position 2224, one base duplicated (T; older notation c.2224dupT).
Protein change: p.Cys742fs; shifts the reading frame from cysteine 742.
Molecular consequence: frameshift variant.
Genome position (GRCh38, 1-based): chr4:6,302,019, T duplicated. VCF-style (leftmost placement, unchanged base first): chr4-6302018-C-CT. GRCh37 (hg19) VCF-style: chr4-6303745-C-CT.
Other names: c.2224dup, p.Cys742fs (NM_001145853.1); short protein forms C742fs.
Identifiers: ClinVar variation 807719 (VCV000807719.4), dbSNP rs1578612324, ClinGen allele CA915944126.